The following is an entry in ClinVar:

NM_003072.5(SMARCA4):c.1406G>A (p.Arg469Gln)

Gene: SMARCA4 (SWI/SNF related BAF chromatin remodeling complex subunit ATPase 4; plus strand). Cytogenetic location: 19p13.2.
Variant type: single nucleotide variant.
Coding change: c.1406G>A on transcript NM_003072.5 (MANE Select); coding-DNA position 1406, G replaced by A.
Protein change: p.Arg469Gln; replaces arginine 469 with glutamine.
Molecular consequence: missense variant. On other transcripts: non-coding transcript variant (1).
Genome position (GRCh38, 1-based): chr19:10,991,310, G>A. VCF-style: chr19-10991310-G-A. GRCh37 (hg19) VCF-style: chr19-11101986-G-A.
Other names: c.1406G>A, p.Arg469Gln (NM_001128844.3, NM_001128845.2, NM_001128846.2 and 5 more transcripts); short protein forms R469Q.
Identifiers: ClinVar variation 1061304 (VCV001061304.11), dbSNP rs2145882558, ClinGen allele CA404061113.

ClinVar aggregate classification (germline): Uncertain significance. Review status: criteria provided, multiple submitters, no conflicts (2 of 4 stars). 2 submissions from 2 submitters: Uncertain significance (2). Last evaluated 2024-12-18.

Conditions:
Hereditary cancer-predisposing syndrome. Also called: Neoplastic Syndromes, Hereditary; Hereditary Cancer Syndrome; Hereditary neoplastic syndrome; Tumor predisposition. Identifiers: Orphanet 140162, MedGen C0027672, MeSH D009386, MONDO:0015356.
Rhabdoid tumor predisposition syndrome 2 (RTPS2). Identifiers: Orphanet 231108, Orphanet 69077, MedGen C2750074, MONDO:0013224, OMIM 613325.

Submissions (2):

Labcorp Genetics (formerly Invitae), Labcorp
Classification: Uncertain significance for Rhabdoid tumor predisposition syndrome 2. Last evaluated: 2024-12-18. Review status: criteria provided, single submitter. Criteria: Invitae Variant Classification Sherloc (09022015). Collection method: clinical testing. Allele origin: germline.
Comment: This sequence change replaces arginine, which is basic and polar, with glutamine, which is neutral and polar, at codon 469 of the SMARCA4 protein (p.Arg469Gln). This variant is not present in population databases (gnomAD no frequency). This variant has not been reported in the literature in individuals affected with SMARCA4-related conditions. ClinVar contains an entry for this variant (Variation ID: 1061304). Invitae Evidence Modeling of protein sequence and biophysical properties (such as structural, functional, and spatial information, amino acid conservation, physicochemical variation, residue mobility, and thermodynamic stability) indicates that this missense variant is expected to disrupt SMARCA4 protein function with a positive predictive value of 95%. In summary, the available evidence is currently insufficient to determine the role of this variant in disease. Therefore, it has been classified as a Variant of Uncertain Significance.

Ambry Genetics
Classification: Uncertain significance for Hereditary cancer-predisposing syndrome. Last evaluated: 2020-07-06. Review status: criteria provided, single submitter. Criteria: Ambry Variant Classification Scheme 2023. Collection method: clinical testing. Allele origin: germline.
Comment: The p.R469Q variant (also known as c.1406G>A), located in coding exon 7 of the SMARCA4 gene, results from a G to A substitution at nucleotide position 1406. The arginine at codon 469 is replaced by glutamine, an amino acid with highly similar properties. This amino acid position is highly conserved in available vertebrate species. In addition, the in silico prediction for this alteration is inconclusive. Since supporting evidence is limited at this time, the clinical significance of this alteration remains unclear.